The following is an entry in ClinVar:

NM_001032283.3(TMPO):c.178A>G (p.Lys60Glu)

Genes: TMPO (thymopoietin; plus strand), TMPO-AS1 (TMPO antisense RNA 1; minus strand). Cytogenetic location: 12q23.1.
Variant type: single nucleotide variant.
Coding change: c.178A>G on transcript NM_001032283.3 (MANE Select); coding-DNA position 178, A replaced by G.
Protein change: p.Lys60Glu; replaces lysine 60 with glutamic acid.
Molecular consequence: missense variant. On other transcripts: non-coding transcript variant (1).
Genome position (GRCh38, 1-based): chr12:98,516,045, A>G. VCF-style: chr12-98516045-A-G. GRCh37 (hg19) VCF-style: chr12-98909823-A-G.
Other names: c.178A>G, p.Lys60Glu (NM_001032284.3, NM_001307975.2, NM_003276.2); short protein forms K60E.
Identifiers: ClinVar variation 3458751 (VCV003458751.1).

ClinVar aggregate classification (germline): Uncertain significance (1 of 4 stars; one submission).

gnomAD v4.1: 3 of 1,611,298 alleles (0.00019%); highest among the groups gnomAD compares: Non-Finnish European, 0.00025%; no homozygotes.

Submission:

Ambry Genetics
Classification: Uncertain significance. Last evaluated: 2024-07-24. Review status: criteria provided, single submitter. Criteria: Ambry Variant Classification Scheme 2023. Collection method: clinical testing. Allele origin: germline.
Comment: The p.K60E variant (also known as c.178A>G), located in coding exon 1 of the TMPO gene, results from an A to G substitution at nucleotide position 178. The lysine at codon 60 is replaced by glutamic acid, an amino acid with similar properties. This amino acid position is conserved. In addition, this alteration is predicted to be tolerated by in silico analysis. Based on the available evidence, the clinical significance of this variant remains unclear.